The following is an entry in ClinVar:

NM_031433.4(MFRP):c.958C>T (p.Gln320Ter)

Genes: C1QTNF5 (C1q and TNF related 5; minus strand), MFRP (membrane frizzled-related protein; minus strand). Cytogenetic location: 11q23.3.
Variant type: single nucleotide variant.
Coding change: c.958C>T on transcript NM_031433.4 (MANE Select); coding-DNA position 958, C replaced by T.
Protein change: p.Gln320Ter; replaces glutamine 320 with a stop codon.
Molecular consequence: nonsense. On other transcripts: 5 prime UTR variant (1).
Genome position (GRCh38, 1-based): chr11:119,344,332, G>A on the plus strand (C>T on the coding strand, the complement: MFRP is on the minus strand). VCF-style: chr11-119344332-G-A. GRCh37 (hg19) VCF-style: chr11-119215042-G-A.
Other names: c.-1679C>T (NM_015645.5); short protein forms Q320*.
Identifiers: ClinVar variation 209172 (VCV000209172.5), dbSNP rs797045054, ClinGen allele CA250378.

ClinVar aggregate classification (germline): Pathogenic/Likely pathogenic. Review status: criteria provided, multiple submitters, no conflicts (2 of 4 stars). 2 submissions from 2 submitters: Pathogenic (1); Likely pathogenic (1). Last evaluated 2022-08-17.

Conditions:
MFRP-related disorder. Also called: MFRP-related disorders; MFRP-related condition.
Isolated microphthalmia 5. Also called: Posterior Microphthalmia with Retinitis Pigmentosa, Foveoschisis, and Optic Disc Drusen. Identifiers: Orphanet 251279, MedGen C1970236, MONDO:0012605, OMIM 611040.

Allele frequency attached by ClinVar (database versions not stated): gnomAD exomes below 0.00001.
gnomAD v4.1: 2 of 1,614,016 alleles (0.00012%); highest among the groups gnomAD compares: South Asian, 0.0011%; no homozygotes.

Submissions (2):

Blueprint Genetics
Classification: Likely pathogenic for MFRP-related disorders. Last evaluated: 2022-08-17. Review status: criteria provided, single submitter. Criteria: ACMG Guidelines, 2015. Collection method: clinical testing. Allele origin: germline. Affected: yes. Observed: 1 variant allele.

Baylor Genetics
Classification: Pathogenic for Microphthalmia, isolated 5. Last evaluated: 2013-02-06. Review status: criteria provided, single submitter. Criteria: Yang et al. 2013. Collection method: clinical testing. Allele origin: germline. Inheritance: Autosomal recessive inheritance. Affected: yes. Observed: 1 variant allele, 1 homozygote. Study: Adult_WES.

Literature cited by the submitters: PubMed 26633545 (cited by Baylor Genetics).